The following is an entry in ClinVar:

NM_001110556.2(FLNA):c.5589C>T (p.Val1863=)

Gene: FLNA (filamin A; minus strand). Cytogenetic location: Xq28.
Variant type: single nucleotide variant.
Coding change: c.5589C>T on transcript NM_001110556.2 (MANE Select); coding-DNA position 5589, C replaced by T.
Protein change: p.Val1863=; no amino-acid change (valine 1863 retained).
Molecular consequence: synonymous variant.
Genome position (GRCh38, 1-based): chrX:154,354,012, G>A on the plus strand (C>T on the coding strand, the complement: FLNA is on the minus strand). VCF-style: chrX-154354012-G-A. GRCh37 (hg19) VCF-style: chrX-153582380-G-A.
Other names: c.5565C>T, p.Val1855= (NM_001456.4).
Identifiers: ClinVar variation 129063 (VCV000129063.55), dbSNP rs200787122, ClinGen allele CA231104.
Genomic context (GRCh38, chrX:154,354,012, plus strand): 5'-AGGCTTGTTCACTACTCCATGGGTGAGGCCAGGCCCATAGGCAGTGACATGGCCACAGTT[G>A]ACGTAATCCACATAGAACTGCAAGGGGCTTCCTGAGGCAGGAAGAAGGGCCTTGTGGAAT-3'
Protein context (NP_001104026.1, residues 1853-1873): GSPLQFYVDY[Val1863=]NCGHVTAYGP

ClinVar aggregate classification (germline): Benign/Likely benign. Review status: criteria provided, multiple submitters, no conflicts (2 of 4 stars). 13 submissions from 13 submitters: Benign (5); Likely benign (6). 2 of the submissions do not count toward it. Last evaluated 2026-01-25.

Conditions:
Heterotopia, periventricular, X-linked dominant (PVNH1). Also called: PERIVENTRICULAR NODULAR HETEROTOPIA 1; X-linked periventricular heterotopia; PERIVENTRICULAR NODULAR HETEROTOPIA 4; HETEROTOPIA, PERIVENTRICULAR, 1. Identifiers: Orphanet 2149, Orphanet 82004, MedGen C1848213, MONDO:0010233, OMIM 300049.
Melnick-Needles syndrome (MNS). Also called: MELNICK-NEEDLES OSTEODYSPLASTY; OSTEODYSPLASTY OF MELNICK AND NEEDLES; Melnick-Needles Syndrome (FLNA-MNS). Identifiers: Orphanet 2484, MedGen C0025237, MONDO:0010650, OMIM 309350.
Frontometaphyseal dysplasia (FMD1). Identifiers: Orphanet 1826, MedGen C0265293, MONDO:0015942.
Oto-palato-digital syndrome, type II (OPD2). Also called: FACIOPALATOOSSEOUS SYNDROME; OPD II SYNDROME; Otopalatodigital Syndrome, Type II; Otopalatodigital Syndrome Type 2 (FLNA-OPD2). Identifiers: Orphanet 669, Orphanet 90652, MedGen C1844696, MONDO:0010571, OMIM 304120.
Connective tissue disorder. Also called: Connective tissue disease. Identifiers: MedGen C0009782, MONDO:0003900.
Familial thoracic aortic aneurysm and aortic dissection (TAAD). Also called: Thoracic aortic aneurysms and dissections. Identifiers: Orphanet 91387, MedGen C4707243, MONDO:0019625.

Allele frequency attached by ClinVar (database versions not stated): 1000 Genomes Project 0.00026; TOPMed 0.00028; gnomAD 0.00030 and 0.00033; gnomAD exomes 0.00032 and 0.00070; 1000 Genomes Project 30x 0.00042; ExAC 0.00042; ESP Exome Variant Server 0.00068.
gnomAD v4.1: 823 of 1,210,805 alleles (0.068%); highest among the groups gnomAD compares: Non-Finnish European, 0.085%; 1 homozygote.

Submissions (13):

Labcorp Genetics (formerly Invitae), Labcorp
Classification: Benign for Oto-palato-digital syndrome, type II; Heterotopia, periventricular, X-linked dominant; Frontometaphyseal dysplasia; Melnick-Needles syndrome. Last evaluated: 2026-01-25. Review status: criteria provided, single submitter. Criteria: Invitae Variant Classification Sherloc (09022015). Collection method: clinical testing. Allele origin: germline.

ARUP Laboratories, Molecular Genetics and Genomics, ARUP Laboratories
Classification: Likely benign. Last evaluated: 2025-04-22. Review status: criteria provided, single submitter. Criteria: ARUP Molecular Germline Variant Investigation Process 2024. Collection method: clinical testing. Allele origin: germline.

Blueprint Genetics
Classification: Likely benign. Last evaluated: 2024-07-05. Review status: criteria provided, single submitter. Criteria: ACMG Guidelines, 2015. Collection method: clinical testing. Allele origin: germline.

CeGaT Center for Human Genetics Tuebingen
Classification: Likely benign. Last evaluated: 2024-05-01. Review status: criteria provided, single submitter. Criteria: CeGaT Center For Human Genetics Tuebingen Variant Classification Criteria Version 2. Collection method: clinical testing. Allele origin: germline. Affected: yes. Observed: 1 variant allele.
Comment: FLNA: BP4, BS2

Women's Health and Genetics/Laboratory Corporation of America, LabCorp
Classification: Benign. Last evaluated: 2023-07-21. Review status: criteria provided, single submitter. Criteria: LabCorp Variant Classification Summary - May 2015. Collection method: clinical testing. Allele origin: germline.

Center for Human Genetics, Inc
Classification: Likely benign for Connective tissue disorder. Last evaluated: 2018-06-01. Review status: criteria provided, single submitter. Criteria: ACMG Guidelines, 2015. Collection method: clinical testing. Allele origin: germline. Affected: yes.

Eurofins Ntd Llc (ga)
Classification: Benign. Last evaluated: 2017-05-24. Review status: criteria provided, single submitter. Criteria: EGL Classification Definitions 2015. Collection method: clinical testing. Allele origin: germline. Observed: 1 variant allele, 1 hemizygote.

Athena Diagnostics
Classification: Benign. Last evaluated: 2017-02-08. Review status: criteria provided, single submitter. Criteria: Athena Diagnostics Criteria. Collection method: clinical testing. Allele origin: germline.

Genetic Services Laboratory, University of Chicago
Classification: Likely benign. Last evaluated: 2016-06-15. Review status: criteria provided, single submitter. Criteria: ACMG Guidelines, 2015. Collection method: clinical testing. Allele origin: germline. Affected: no.

GeneDx
Classification: Benign. Last evaluated: 2015-08-31. Review status: criteria provided, single submitter. Criteria: GeneDx Variant Classification (06012015). Collection method: clinical testing. Allele origin: germline. Affected: yes.
Comment: This variant is considered likely benign or benign based on one or more of the following criteria: it is a conservative change, it occurs at a poorly conserved position in the protein, it is predicted to be benign by multiple in silico algorithms, and/or has population frequency not consistent with disease.

Ambry Genetics
Classification: Likely benign for Familial thoracic aortic aneurysm and aortic dissection. Last evaluated: 2015-06-04. Review status: criteria provided, single submitter. Criteria: Ambry Variant Classification Scheme 2023. Collection method: clinical testing. Allele origin: germline.

Clinical Genetics DNA and cytogenetics Diagnostics Lab, Erasmus MC, Erasmus Medical Center
Classification: Likely benign. Review status: no assertion criteria provided. Collection method: clinical testing. Allele origin: germline. Affected: yes. Study: VKGL Data-share Consensus. Not counted in ClinVar's aggregate classification.

Genome Diagnostics Laboratory, University Medical Center Utrecht
Classification: Likely benign. Review status: no assertion criteria provided. Collection method: clinical testing. Allele origin: germline. Affected: yes. Study: VKGL Data-share Consensus. Not counted in ClinVar's aggregate classification.